The following is an entry in ClinVar:

ClinVar aggregate classification (germline): Likely benign (0 of 4 stars; one submission).

Conditions:
SF3B2-related disorder. Also called: SF3B2-related condition.

Submission:

PreventionGenetics, part of Exact Sciences
Classification: Likely benign for SF3B2-related condition. Last evaluated: 2024-05-14. Review status: no assertion criteria provided. Collection method: clinical testing. Allele origin: germline.
Comment: This variant is classified as likely benign based on ACMG/AMP sequence variant interpretation guidelines (Richards et al. 2015 PMID: 25741868, with internal and published modifications).

NM_006842.3(SF3B2):c.181-4G>T

Gene: SF3B2 (splicing factor 3b subunit 2; plus strand). Cytogenetic location: 11q13.1.
Variant type: single nucleotide variant.
Coding change: c.181-4G>T on transcript NM_006842.3 (MANE Select); 4 bases into the intron before coding-DNA position 181, G replaced by T.
Molecular consequence: intron variant.
Genome position (GRCh38, 1-based): chr11:66,053,023, G>T. VCF-style: chr11-66053023-G-T. GRCh37 (hg19) VCF-style: chr11-65820494-G-T.
Identifiers: ClinVar variation 3348472 (VCV003348472.1).